The following is an entry in ClinVar:

NM_005144.5(HR):c.2687G>T (p.Gly896Val)

Gene: HR (HR lysine demethylase and nuclear receptor corepressor; minus strand). Cytogenetic location: 8p21.3.
Variant type: single nucleotide variant.
Coding change: c.2687G>T on transcript NM_005144.5 (MANE Select); coding-DNA position 2687, G replaced by T.
Protein change: p.Gly896Val; replaces glycine 896 with valine.
Molecular consequence: missense variant.
Genome position (GRCh38, 1-based): chr8:22,120,431, C>A on the plus strand (G>T on the coding strand, the complement: HR is on the minus strand). VCF-style: chr8-22120431-C-A. GRCh37 (hg19) VCF-style: chr8-21977944-C-A.
Other names: p.Gly896Val; c.2687G>T, p.Gly896Val (NM_018411.4); short protein forms G896V.
Identifiers: ClinVar variation 3777059 (VCV003777059.1).

ClinVar aggregate classification (germline): Uncertain significance (1 of 4 stars; one submission).

Conditions:
Alopecia universalis congenita (ALUNC). Also called: ATRICHIA, GENERALIZED. Identifiers: Orphanet 701, MedGen C1859877, MONDO:0008757, OMIM 203655.

gnomAD v4.1: 4 of 1,614,030 alleles (0.00025%); highest among the groups gnomAD compares: Non-Finnish European, 0.00034%; no homozygotes.

Submission:

Foundation for Research in Genetics and Endocrinology, FRIGE's Institute of Human Genetics
Classification: Uncertain significance for Alopecia universalis congenita. Last evaluated: 2025-02-25. Review status: criteria provided, single submitter. Criteria: ACMG Guidelines, 2015. Collection method: clinical testing. Allele origin: germline. Inheritance: Autosomal recessive inheritance. Affected: yes. Observed: 1 compound heterozygote.
Comment: A heterozygous missense variant in exon 12 of the HR gene that results in the amino acid substitution of Valine for Glycine at codon 896 was detected. The observed variant c.2687G>T (p.Gly896Val) has not been reported in the 1000 genomes and has a minor allele frequency of <0.001% in the gnomAD database. The in silico prediction of the variant are possibly damaging by SIFT, PROVEN, DANN, CADD and MutationTaster2. The reference codon is conserved across species. In summary, the variant meets our criteria to be classified as variant of uncertain significance.